The following is an entry in ClinVar:

ClinVar aggregate classification (germline): Uncertain significance (1 of 4 stars; one submission).

Conditions:
Inborn genetic diseases. Identifiers: MedGen C0950123, MeSH D030342.

Submission:

Ambry Genetics
Classification: Uncertain significance for Inborn genetic diseases. Last evaluated: 2025-03-12. Review status: criteria provided, single submitter. Criteria: Ambry Variant Classification Scheme 2023. Collection method: clinical testing. Allele origin: germline.
Comment: The p.P91T variant (also known as c.271C>A), located in coding exon 3 of the BMPR2 gene, results from a C to A substitution at nucleotide position 271. The proline at codon 91 is replaced by threonine, an amino acid with highly similar properties. This amino acid position is conserved. In addition, the in silico prediction for this alteration is inconclusive. Based on the available evidence, the clinical significance of this variant remains unclear.

NM_001204.7(BMPR2):c.271C>A (p.Pro91Thr)

Gene: BMPR2 (bone morphogenetic protein receptor type 2; plus strand). Cytogenetic location: 2q33.1.
Variant type: single nucleotide variant.
Coding change: c.271C>A on transcript NM_001204.7 (MANE Select); coding-DNA position 271, C replaced by A.
Protein change: p.Pro91Thr; replaces proline 91 with threonine.
Molecular consequence: missense variant.
Genome position (GRCh38, 1-based): chr2:202,467,542, C>A. VCF-style: chr2-202467542-C-A. GRCh37 (hg19) VCF-style: chr2-203332265-C-A.
Other names: short protein forms P91T.
Identifiers: ClinVar variation 3824959 (VCV003824959.1).